The following is an entry in ClinVar:

NM_001903.5(CTNNA1):c.1507G>A (p.Asp503Asn)

Gene: CTNNA1 (catenin alpha 1; plus strand). Cytogenetic location: 5q31.2.
Variant type: single nucleotide variant.
Coding change: c.1507G>A on transcript NM_001903.5 (MANE Select); coding-DNA position 1507, G replaced by A.
Protein change: p.Asp503Asn; replaces aspartic acid 503 with asparagine.
Molecular consequence: missense variant.
Genome position (GRCh38, 1-based): chr5:138,917,859, G>A. VCF-style: chr5-138917859-G-A. GRCh37 (hg19) VCF-style: chr5-138253548-G-A.
Other names: c.1507G>A, p.Asp503Asn (NM_001290307.3, NM_001323982.2, NM_001323983.1 and 2 more transcripts); c.1198G>A, p.Asp400Asn (NM_001290309.3); c.1138G>A, p.Asp380Asn (NM_001290310.3); c.397G>A, p.Asp133Asn (NM_001290312.1, NM_001323997.1, NM_001323998.1 and 17 more transcripts); c.1414G>A, p.Asp472Asn (NM_001323986.2); c.58G>A, p.Asp20Asn (NM_001324006.1, NM_001324007.1, NM_001324008.1 and 2 more transcripts); c.1507G>A (NM_001903.2); c.304G>A, p.Asp102Asn (NM_001324011.1); and 1 more; short protein forms D133N, D380N, D102N, D472N, D503N, D20N, D400N, D52N.
Identifiers: ClinVar variation 2726383 (VCV002726383.4), dbSNP rs1762124988, ClinGen allele CA361137340.
Genomic context (GRCh38, chr5:138,917,859, plus strand): 5'-AACATGGATCTTTTTAAAGAACAATGGGAAAAACAAGTCCGTGTTCTCACAGATGCTGTC[G>A]ATGACATTACTTCCATTGATGACTTCTTGGCTGTCTCAGGTAATGAGCTGGTTCCCCAGA-3'
Protein context (NP_001894.2, residues 493-513): KQVRVLTDAV[Asp503Asn]DITSIDDFLA

ClinVar aggregate classification (germline): Uncertain significance. Review status: criteria provided, multiple submitters, no conflicts (2 of 4 stars). 2 submissions from 2 submitters: Uncertain significance (2). Last evaluated 2024-10-29.

Conditions:
Hereditary cancer-predisposing syndrome. Also called: Neoplastic Syndromes, Hereditary; Tumor predisposition; Hereditary neoplastic syndrome; Hereditary Cancer Syndrome. Identifiers: Orphanet 140162, MedGen C0027672, MeSH D009386, MONDO:0015356.

Allele frequency attached by ClinVar (database versions not stated): gnomAD exomes below 0.00001; gnomAD 0.00001.
gnomAD v4.1: 6 of 1,614,078 alleles (0.00037%); highest among the groups gnomAD compares: East Asian, 0.0022%; no homozygotes.

Submissions (2):

Ambry Genetics
Classification: Uncertain significance for Hereditary cancer-predisposing syndrome. Last evaluated: 2024-10-29. Review status: criteria provided, single submitter. Criteria: Ambry Variant Classification Scheme 2023. Collection method: clinical testing. Allele origin: germline.
Comment: The p.D503N variant (also known as c.1507G>A), located in coding exon 10 of the CTNNA1 gene, results from a G to A substitution at nucleotide position 1507. The aspartic acid at codon 503 is replaced by asparagine, an amino acid with highly similar properties. This amino acid position is highly conserved in available vertebrate species. In addition, this alteration is predicted to be tolerated by in silico analysis. The evidence for this gene-disease relationship is limited; therefore, the clinical significance of this alteration is unclear.

Labcorp Genetics (formerly Invitae), Labcorp
Classification: Uncertain significance. Last evaluated: 2024-05-19. Review status: criteria provided, single submitter. Criteria: Invitae Variant Classification Sherloc (09022015). Collection method: clinical testing. Allele origin: germline.
Comment: This sequence change replaces aspartic acid, which is acidic and polar, with asparagine, which is neutral and polar, at codon 503 of the CTNNA1 protein (p.Asp503Asn). This variant is not present in population databases (gnomAD no frequency). This variant has not been reported in the literature in individuals affected with CTNNA1-related conditions. Advanced modeling of protein sequence and biophysical properties (such as structural, functional, and spatial information, amino acid conservation, physicochemical variation, residue mobility, and thermodynamic stability) performed at Invitae indicates that this missense variant is not expected to disrupt CTNNA1 protein function with a negative predictive value of 80%. In summary, the available evidence is currently insufficient to determine the role of this variant in disease. Therefore, it has been classified as a Variant of Uncertain Significance.